The following is an entry in ClinVar:

ClinVar aggregate classification (germline): Uncertain significance. Review status: criteria provided, multiple submitters, no conflicts (2 of 4 stars). 2 submissions from 2 submitters: Uncertain significance (2). Last evaluated 2023-02-16.

Conditions:
Hereditary cancer-predisposing syndrome. Also called: Hereditary neoplastic syndrome; Neoplastic Syndromes, Hereditary; Tumor predisposition; Hereditary Cancer Syndrome. Identifiers: Orphanet 140162, MedGen C0027672, MeSH D009386, MONDO:0015356.

Submissions (2):

GeneDx
Classification: Uncertain significance. Last evaluated: 2023-02-16. Review status: criteria provided, single submitter. Criteria: GeneDx Variant Classification Process June 2021. Collection method: clinical testing. Allele origin: germline. Affected: yes.
Comment: Not observed at significant frequency in large population cohorts (gnomAD); In silico analysis supports that this missense variant has a deleterious effect on protein structure/function; Has not been previously published as pathogenic or benign to our knowledge; This variant is associated with the following publications: (PMID: 14633923)

Ambry Genetics
Classification: Uncertain significance for Hereditary cancer-predisposing syndrome. Last evaluated: 2014-05-14. Review status: criteria provided, single submitter. Criteria: Ambry Autosomal Dominant and X-Linked criteria (10/2015). Collection method: clinical testing. Allele origin: germline. Observed: 1 variant allele.
Comment: The p.D469H variant (also known as c.1405G>C), located in coding exon 7 of the RET gene, results from a G to C substitution at nucleotide position 1405. The aspartic acid at codon 469 is replaced by histidine, an amino acid with a few similar properties. This variant was not reported in population based cohorts in the following databases: Database of Single Nucleotide Polymorphisms (dbSNP), NHLBI Exome Sequencing Project (ESP), and 1000 Genomes Project.To date, this alteration has been detected with an allele frequency of approximately 0.01% (greater than 1000 alleles tested) in our clinical cohort (includes this individual). Based on protein sequence alignment, this amino acid position is well conserved in available vertebrate species. In addition, this alteration is predicted to be possibly damaging and tolerated by PolyPhen and SIFT in silico analyses, respectively. Since supporting evidence is limited at this time, the clinical significance of p.D469H remains unclear.

NM_020975.6(RET):c.1405G>C (p.Asp469His)

Gene: RET (ret proto-oncogene; plus strand). Cytogenetic location: 10q11.21.
Variant type: single nucleotide variant.
Coding change: c.1405G>C on transcript NM_020975.6 (MANE Select); coding-DNA position 1405, G replaced by C.
Protein change: p.Asp469His; replaces aspartic acid 469 with histidine.
Molecular consequence: missense variant.
Genome position (GRCh38, 1-based): chr10:43,111,348, G>C. VCF-style: chr10-43111348-G-C. GRCh37 (hg19) VCF-style: chr10-43606796-G-C.
Other names: c.1009G>C, p.Asp337His (NM_001406772.1, NM_001406769.1); c.967G>C, p.Asp323His (NM_001406773.1, NM_001406771.1); c.880G>C, p.Asp294His (NM_001406774.1); c.679G>C, p.Asp227His (NM_001406775.1, NM_001406776.1, NM_001406777.1 and 1 more transcripts); c.415G>C, p.Asp139His (NM_001406784.1); c.1405G>C, p.Asp469His (NM_020629.2, NM_020630.7, NM_000323.2 and 6 more transcripts); c.643G>C, p.Asp215His (NM_001355216.2); c.1276G>C, p.Asp426His (NM_001406761.1, NM_001406762.1, NM_001406764.1 and 1 more transcripts); and 1 more; short protein forms D469H, D215H, D139H, D227H, D323H, D373H, D294H, D337H.
Identifiers: ClinVar variation 184923 (VCV000184923.6), dbSNP rs772489699, ClinGen allele CA007562.